The following is an entry in ClinVar:

NM_001002295.2(GATA3):c.1256C>T (p.Thr419Met)

Gene: GATA3 (GATA binding protein 3; plus strand). Cytogenetic location: 10p14.
Variant type: single nucleotide variant.
Coding change: c.1256C>T on transcript NM_001002295.2 (MANE Select); coding-DNA position 1256, C replaced by T.
Protein change: p.Thr419Met; replaces threonine 419 with methionine.
Molecular consequence: missense variant.
Genome position (GRCh38, 1-based): chr10:8,073,944, C>T. VCF-style: chr10-8073944-C-T. GRCh37 (hg19) VCF-style: chr10-8115907-C-T.
Other names: c.1253C>T, p.Thr418Met (NM_002051.3); c.1256C>T (NM_001002295.1); short protein forms T418M, T419M.
Identifiers: ClinVar variation 1712274 (VCV001712274.8), dbSNP rs769298101, ClinGen allele CA5404575.
Genomic context (GRCh38, chr10:8,073,944, plus strand): 5'-GACACATGTCCTCCCTGAGCCACATCTCGCCCTTCAGCCACTCCAGCCACATGCTGACCA[C>T]GCCCACGCCGATGCACCCGCCATCCAGCCTGTCCTTTGGACCACACCACCCCTCCAGCAT-3'
Protein context (NP_001002295.1, residues 409-429): PFSHSSHMLT[Thr419Met]PTPMHPPSSL

ClinVar aggregate classification (germline): Uncertain significance. Review status: criteria provided, multiple submitters, no conflicts (2 of 4 stars). 4 submissions from 4 submitters: Uncertain significance (4). Last evaluated 2024-10-27.

Conditions:
Inborn genetic diseases. Identifiers: MedGen C0950123, MeSH D030342.
Hypoparathyroidism, deafness, renal disease syndrome (HDRS). Also called: HYPOPARATHYROIDISM, SENSORINEURAL DEAFNESS, AND RENAL DYSPLASIA SYNDROME. Identifiers: Orphanet 2237, MedGen C1840333, MONDO:0007797, OMIM 146255.

Allele frequency attached by ClinVar (database versions not stated): gnomAD exomes 0.00001; gnomAD 0.00002; TOPMed 0.00003; ExAC 0.00004.
gnomAD v4.1: 22 of 1,614,030 alleles (0.0014%); highest among the groups gnomAD compares: Admixed American, 0.025%; no homozygotes.

Submissions (4):

GeneDx
Classification: Uncertain significance. Last evaluated: 2024-10-27. Review status: criteria provided, single submitter. Criteria: GeneDx Variant Classification Process June 2021. Collection method: clinical testing. Allele origin: germline. Affected: yes.
Comment: In silico analysis indicates that this missense variant does not alter protein structure/function; Has not been previously published as pathogenic or benign to our knowledge

Labcorp Genetics (formerly Invitae), Labcorp
Classification: Uncertain significance. Last evaluated: 2024-07-24. Review status: criteria provided, single submitter. Criteria: Invitae Variant Classification Sherloc (09022015). Collection method: clinical testing. Allele origin: germline.
Comment: This sequence change replaces threonine, which is neutral and polar, with methionine, which is neutral and non-polar, at codon 419 of the GATA3 protein (p.Thr419Met). This variant is present in population databases (rs769298101, gnomAD 0.04%), and has an allele count higher than expected for a pathogenic variant. This variant has not been reported in the literature in individuals affected with GATA3-related conditions. ClinVar contains an entry for this variant (Variation ID: 1712274). Advanced modeling of protein sequence and biophysical properties (such as structural, functional, and spatial information, amino acid conservation, physicochemical variation, residue mobility, and thermodynamic stability) performed at Invitae indicates that this missense variant is not expected to disrupt GATA3 protein function with a negative predictive value of 80%. In summary, the available evidence is currently insufficient to determine the role of this variant in disease. Therefore, it has been classified as a Variant of Uncertain Significance.

Ambry Genetics
Classification: Uncertain significance for Inborn genetic diseases. Last evaluated: 2024-04-01. Review status: criteria provided, single submitter. Criteria: Ambry Variant Classification Scheme 2023. Collection method: clinical testing. Allele origin: germline.

UNC Molecular Genetics  Laboratory, University of North Carolina at Chapel Hill
Classification: Uncertain significance for Hypoparathyroidism, deafness, renal disease syndrome. Last evaluated: 2021-08-31. Review status: criteria provided, single submitter. Criteria: ACMG Guidelines, 2015. Collection method: research. Allele origin: paternal. Observed: 1 variant allele. Study: CSER_NCGENES_2.
Comment: GATA3 c.1256C>T p.(Thr419Met) is predicted to change a single amino acid from a threonine to methionine. Unlike previously reported pathogenic missense variants in GATA3, this p.(Thr419Met) variant is not located in either of the two ZNF domains (PMIDs 29663634, 32442337). This variant has a maximum allele frequency of 0.038% (13 alleles/251310 alleles) in Latino individuals in gnomAD v2.1.1 and therefore may represent a benign population variant.